The following is an entry in ClinVar:

NM_002800.5(PSMB9):c.486T>C (p.Tyr162=)

Gene: PSMB9 (proteasome 20S subunit beta 9; plus strand). Cytogenetic location: 6p21.32.
Variant type: single nucleotide variant.
Coding change: c.486T>C on transcript NM_002800.5 (MANE Select); coding-DNA position 486, T replaced by C.
Protein change: p.Tyr162=; no amino-acid change (tyrosine 162 retained).
Molecular consequence: synonymous variant.
Genome position (GRCh38, 1-based): chr6:32,858,459, T>C. VCF-style: chr6-32858459-T-C. GRCh37 (hg19) VCF-style: chr6-32826236-T-C.
Identifiers: ClinVar variation 3043979 (VCV003043979.3), dbSNP rs182700479, ClinGen allele CA3747289.

ClinVar aggregate classification (germline): Benign. Review status: criteria provided, single submitter (1 of 4 stars). 2 submissions from 2 submitters: Benign (1). 1 of the submissions does not count toward it. Last evaluated 2026-04-20.

Conditions:
PSMB9-related disorder. Also called: PSMB9-related condition.

Allele frequency attached by ClinVar (database versions not stated): TOPMed 0.00021; gnomAD 0.00059; gnomAD exomes 0.00151; ExAC 0.00363; 1000 Genomes Project 30x 0.00422; 1000 Genomes Project 0.00459.
gnomAD v4.1: 2,306 of 1,612,988 alleles (0.14%); highest among the groups gnomAD compares: South Asian, 2.4%; 56 homozygotes.

Submissions (2):

Women's Health and Genetics/Laboratory Corporation of America, LabCorp
Classification: Benign. Last evaluated: 2026-04-20. Review status: criteria provided, single submitter. Criteria: LabCorp Variant Classification Summary - May 2015. Collection method: clinical testing. Allele origin: germline.

PreventionGenetics, part of Exact Sciences
Classification: Benign for PSMB9-related condition. Last evaluated: 2019-06-05. Review status: no assertion criteria provided. Collection method: clinical testing. Allele origin: germline. Not counted in ClinVar's aggregate classification.
Comment: This variant is classified as benign based on ACMG/AMP sequence variant interpretation guidelines (Richards et al. 2015 PMID: 25741868, with internal and published modifications).